The following is an entry in ClinVar:

NM_001035.3(RYR2):c.13897C>T (p.Leu4633Phe)

Gene: RYR2 (ryanodine receptor 2; plus strand). Cytogenetic location: 1q43.
Variant type: single nucleotide variant.
Coding change: c.13897C>T on transcript NM_001035.3 (MANE Select); coding-DNA position 13897, C replaced by T.
Protein change: p.Leu4633Phe; replaces leucine 4633 with phenylalanine.
Molecular consequence: missense variant.
Genome position (GRCh38, 1-based): chr1:237,793,981, C>T. VCF-style: chr1-237793981-C-T. GRCh37 (hg19) VCF-style: chr1-237957281-C-T.
Other names: short protein forms L4633F.
Identifiers: ClinVar variation 2155969 (VCV002155969.4), dbSNP rs1484013155, ClinGen allele CA345418387.

ClinVar aggregate classification (germline): Uncertain significance (1 of 4 stars; one submission).

Conditions:
Catecholaminergic polymorphic ventricular tachycardia 1. Also called: VENTRICULAR TACHYCARDIA, CATECHOLAMINERGIC POLYMORPHIC, 1, WITH OR WITHOUT ATRIAL DYSFUNCTION AND/OR DILATED CARDIOMYOPATHY; RYR2-Related Catecholaminergic Polymorphic Ventricular Tachycardia; VENTRICULAR TACHYCARDIA, STRESS-INDUCED POLYMORPHIC 1. Identifiers: Orphanet 3286, MedGen C1631597, MONDO:0011484, OMIM 604772.

gnomAD v4.1: 2 of 1,611,376 alleles (0.00012%); highest among the groups gnomAD compares: Non-Finnish European, 0.000085%; no homozygotes.

Submission:

Labcorp Genetics (formerly Invitae), Labcorp
Classification: Uncertain significance for Catecholaminergic polymorphic ventricular tachycardia 1. Last evaluated: 2022-06-28. Review status: criteria provided, single submitter. Criteria: Invitae Variant Classification Sherloc (09022015). Collection method: clinical testing. Allele origin: germline.
Comment: Advanced modeling of protein sequence and biophysical properties (such as structural, functional, and spatial information, amino acid conservation, physicochemical variation, residue mobility, and thermodynamic stability) performed at Invitae indicates that this missense variant is expected to disrupt RYR2 protein function. This variant has not been reported in the literature in individuals affected with RYR2-related conditions. The frequency data for this variant in the population databases is considered unreliable, as metrics indicate poor data quality at this position in the gnomAD database. This sequence change replaces leucine, which is neutral and non-polar, with phenylalanine, which is neutral and non-polar, at codon 4633 of the RYR2 protein (p.Leu4633Phe). In summary, the available evidence is currently insufficient to determine the role of this variant in disease. Therefore, it has been classified as a Variant of Uncertain Significance.